The following is an entry in ClinVar:

NM_030630.3(HID1):c.1392+5G>C

Gene: HID1 (HID1 domain containing; minus strand). Cytogenetic location: 17q25.1.
Variant type: single nucleotide variant.
Coding change: c.1392+5G>C on transcript NM_030630.3 (MANE Select); 5 bases into the intron after coding-DNA position 1392, G replaced by C.
Molecular consequence: intron variant.
Genome position (GRCh38, 1-based): chr17:74,958,322, C>G on the plus strand (G>C on the coding strand, the complement: HID1 is on the minus strand). VCF-style: chr17-74958322-C-G. GRCh37 (hg19) VCF-style: chr17-72954417-C-G.
Identifiers: ClinVar variation 4293254 (VCV004293254.1).
Genomic context (GRCh38, chr17:74,958,322, plus strand): 5'-TCCAGACTCAGCCAAGAGGACACCACCCCTGCACCTCCTGGGCCCGGCCGCACGAGCCCC[C>G]TCACCACAATGAGCAGGTCGGCGTGGGTCCCTGTGAAGACTGGGATGTCCATGGGCACGC-3'

ClinVar aggregate classification (germline): Uncertain significance (1 of 4 stars; one submission).

Conditions:
Developmental and epileptic encephalopathy 105 with hypopituitarism (DEE105). Identifiers: MedGen C5774190, MONDO:0031028, OMIM 619983.

gnomAD v4.1: 1 of 1,613,036 alleles (0.000062%); highest among the groups gnomAD compares: Non-Finnish European, 0.000085%; no homozygotes.

Submission:

3billion
Classification: Uncertain significance for Developmental and epileptic encephalopathy 105 with hypopituitarism. Last evaluated: 2024-11-15. Review status: criteria provided, single submitter. Criteria: ACMG Guidelines, 2015. Collection method: clinical testing. Allele origin: germline. Affected: yes.
Comment: The variant is observed at an extremely low frequency in the gnomAD v4.1.0 dataset (total allele frequency: <0.001%). Predicted Consequence/Location: Intron variant In silico tools predict the variant to alter splicing and produce an abnormal transcript [SpliceAI: 0.83 (>=0.2, moderate evidence for spliceogenicity)]. Therefore, this variant is classified as VUS according to the recommendation of ACMG/AMP guideline.